The following is an entry in ClinVar:

NM_017654.4(SAMD9):c.3295T>A (p.Phe1099Ile)

Gene: SAMD9 (sterile alpha motif domain containing 9; minus strand). Cytogenetic location: 7q21.2.
Variant type: single nucleotide variant.
Coding change: c.3295T>A on transcript NM_017654.4 (MANE Select); coding-DNA position 3295, T replaced by A.
Protein change: p.Phe1099Ile; replaces phenylalanine 1099 with isoleucine.
Molecular consequence: missense variant.
Genome position (GRCh38, 1-based): chr7:93,102,803, A>T on the plus strand (T>A on the coding strand, the complement: SAMD9 is on the minus strand). VCF-style: chr7-93102803-A-T. GRCh37 (hg19) VCF-style: chr7-92732116-A-T.
Other names: c.3295T>A, p.Phe1099Ile (NM_001193307.2); short protein forms F1099I.
Identifiers: ClinVar variation 4159022 (VCV004159022.1).

ClinVar aggregate classification (germline): Uncertain significance (1 of 4 stars; one submission).

Conditions:
Inborn genetic diseases. Identifiers: MedGen C0950123, MeSH D030342.

Submission:

Ambry Genetics
Classification: Uncertain significance for Inborn genetic diseases. Last evaluated: 2025-06-21. Review status: criteria provided, single submitter. Criteria: Ambry Variant Classification Scheme 2023. Collection method: clinical testing. Allele origin: germline.
Comment: The p.F1099I variant (also known as c.3295T>A), located in coding exon 1 of the SAMD9 gene, results from a T to A substitution at nucleotide position 3295. The phenylalanine at codon 1099 is replaced by isoleucine, an amino acid with highly similar properties. This amino acid position is conserved. In addition, this alteration is predicted to be tolerated by in silico analysis. Based on the available evidence, the clinical significance of this variant remains unclear.